The following is an entry in ClinVar:

ClinVar aggregate classification (germline): Uncertain significance. Review status: criteria provided, multiple submitters, no conflicts (2 of 4 stars). 3 submissions from 3 submitters: Uncertain significance (3). Last evaluated 2026-08-20.

Conditions:
Hereditary cancer-predisposing syndrome. Also called: Tumor predisposition; Hereditary Cancer Syndrome; Hereditary neoplastic syndrome; Neoplastic Syndromes, Hereditary. Identifiers: Orphanet 140162, MedGen C0027672, MeSH D009386, MONDO:0015356.
Pheochromocytoma/paraganglioma syndrome 3. Also called: GLOMUS TUMORS, FAMILIAL, 3; Paragangliomas 3; SDHC-Related Hereditary Paraganglioma-Pheochromocytoma Syndrome (Paragangliomas 3); SDHC-Related Hereditary Paraganglioma-Pheochromocytoma Syndrome. Identifiers: Orphanet 29072, MedGen C1854336, MONDO:0011544, OMIM 605373.
Gastrointestinal stromal tumor. Also called: Gastrointestinal stroma tumor; Gastrointestinal stromal tumor, somatic. Identifiers: Orphanet 44890, MedGen C0238198, MeSH D046152, MONDO:0011719, OMIM 606764, HP:0100723.

Submissions (3):

Ambry Genetics
Classification: Uncertain significance for Hereditary cancer-predisposing syndrome. Last evaluated: 2026-08-20. Review status: criteria provided, single submitter. Criteria: Ambry Variant Classification Scheme 2023. Collection method: clinical testing. Allele origin: germline.
Comment: The p.V153M variant (also known as c.457G>A), located in coding exon 6 of the SDHC gene, results from a G to A substitution at nucleotide position 457. The valine at codon 153 is replaced by methionine, an amino acid with highly similar properties. This amino acid position is highly conserved in available vertebrate species. In addition, this alteration is predicted to be deleterious by in silico analysis. Based on the available evidence, the clinical significance of this variant remains unclear.

GeneDx
Classification: Uncertain significance. Last evaluated: 2023-02-24. Review status: criteria provided, single submitter. Criteria: GeneDx Variant Classification Process June 2021. Collection method: clinical testing. Allele origin: germline. Affected: yes.
Comment: Not observed at significant frequency in large population cohorts (gnomAD); In silico analysis supports that this missense variant does not alter protein structure/function; Has not been previously published as pathogenic or benign to our knowledge

Labcorp Genetics (formerly Invitae), Labcorp
Classification: Uncertain significance for Pheochromocytoma/paraganglioma syndrome 3; Gastrointestinal stromal tumor. Last evaluated: 2022-05-02. Review status: criteria provided, single submitter. Criteria: Invitae Variant Classification Sherloc (09022015). Collection method: clinical testing. Allele origin: germline.
Comment: Algorithms developed to predict the effect of missense changes on protein structure and function are either unavailable or do not agree on the potential impact of this missense change (SIFT: "Tolerated"; PolyPhen-2: "Probably Damaging"; Align-GVGD: "Class C0"). In summary, the available evidence is currently insufficient to determine the role of this variant in disease. Therefore, it has been classified as a Variant of Uncertain Significance. This variant has not been reported in the literature in individuals affected with SDHC-related conditions. This variant is not present in population databases (gnomAD no frequency). This sequence change replaces valine, which is neutral and non-polar, with methionine, which is neutral and non-polar, at codon 153 of the SDHC protein (p.Val153Met).

NM_003001.5(SDHC):c.457G>A (p.Val153Met)

Gene: SDHC (succinate dehydrogenase complex subunit C; plus strand). Cytogenetic location: 1q23.3.
Variant type: single nucleotide variant.
Coding change: c.457G>A on transcript NM_003001.5 (MANE Select); coding-DNA position 457, G replaced by A.
Protein change: p.Val153Met; replaces valine 153 with methionine.
Molecular consequence: missense variant.
Genome position (GRCh38, 1-based): chr1:161,362,380, G>A. VCF-style: chr1-161362380-G-A. GRCh37 (hg19) VCF-style: chr1-161332170-G-A.
Other names: c.293G>A, p.Ser98Asn (NM_001035511.3); c.355G>A, p.Val119Met (NM_001035512.3); c.298G>A, p.Val100Met (NM_001035513.3); c.191G>A, p.Ser64Asn (NM_001278172.3); c.577G>A, p.Val193Met (NM_001407115.1); c.400G>A, p.Val134Met (NM_001407116.1); c.394G>A, p.Val132Met (NM_001407117.1); c.349G>A, p.Val117Met (NM_001407118.1); and 2 more; short protein forms S64N, V134M, V117M, S98N, V100M, V193M, S79N, V116M.
Identifiers: ClinVar variation 2163507 (VCV002163507.8), dbSNP rs2526572822, ClinGen allele CA343457787.
Genomic context (GRCh38, chr1:161,362,380, plus strand): 5'-TGTCCACAGATGTGGGACCTAGGAAAAGGCCTGAAGATTCCCCAGCTATACCAGTCTGGA[G>A]TGGTTGTCCTGGTTCTTACTGTGTTGTCCTCTATGGGGCTGGCAGCCATGTGAAGAAAGG-3'
Protein context (NP_002992.1, residues 143-163): LKIPQLYQSG[Val153Met]VVLVLTVLSS